The following is an entry in ClinVar:

ClinVar aggregate classification (germline): Uncertain significance (1 of 4 stars; one submission).

Conditions:
Bethlem myopathy 1A. Also called: Bethlem Muscular Dystrophy; MYOPATHY, BENIGN CONGENITAL, WITH CONTRACTURES; Bethlem myopathy 1. Identifiers: Orphanet 610, MedGen CN029274, MONDO:0024530, OMIM 158810.

Submission:

Labcorp Genetics (formerly Invitae), Labcorp
Classification: Uncertain significance for Bethlem myopathy 1A. Last evaluated: 2025-04-13. Review status: criteria provided, single submitter. Criteria: Invitae Variant Classification Sherloc (09022015). Collection method: clinical testing. Allele origin: germline.
Comment: This sequence change replaces histidine, which is basic and polar, with proline, which is neutral and non-polar, at codon 958 of the COL6A2 protein (p.His958Pro). This variant is not present in population databases (gnomAD no frequency). This variant has not been reported in the literature in individuals affected with COL6A2-related conditions. ClinVar contains an entry for this variant (Variation ID: 2197214). Invitae Evidence Modeling of protein sequence and biophysical properties (such as structural, functional, and spatial information, amino acid conservation, physicochemical variation, residue mobility, and thermodynamic stability) indicates that this missense variant is not expected to disrupt COL6A2 protein function with a negative predictive value of 80%. In summary, the available evidence is currently insufficient to determine the role of this variant in disease. Therefore, it has been classified as a Variant of Uncertain Significance.

NM_001849.4(COL6A2):c.2873A>C (p.His958Pro)

Gene: COL6A2 (collagen type VI alpha 2 chain; plus strand). Cytogenetic location: 21q22.3.
Variant type: single nucleotide variant.
Coding change: c.2873A>C on transcript NM_001849.4 (MANE Select); coding-DNA position 2873, A replaced by C.
Protein change: p.His958Pro; replaces histidine 958 with proline.
Molecular consequence: missense variant.
Genome position (GRCh38, 1-based): chr21:46,132,365, A>C. VCF-style: chr21-46132365-A-C. GRCh37 (hg19) VCF-style: chr21-47552279-A-C.
Other names: short protein forms H958P.
Identifiers: ClinVar variation 2197214 (VCV002197214.4), dbSNP rs2517030072, ClinGen allele CA410549912.